The following is an entry in ClinVar:

ClinVar aggregate classification (germline): Uncertain significance (1 of 4 stars; one submission).

gnomAD v4.1: 2 of 1,613,986 alleles (0.00012%); highest among the groups gnomAD compares: African/African-American, 0.0027%; no homozygotes.

Submission:

Labcorp Genetics (formerly Invitae), Labcorp
Classification: Uncertain significance. Last evaluated: 2024-01-05. Review status: criteria provided, single submitter. Criteria: Invitae Variant Classification Sherloc (09022015). Collection method: clinical testing. Allele origin: germline.
Comment: This sequence change replaces serine, which is neutral and polar, with asparagine, which is neutral and polar, at codon 1046 of the SETBP1 protein (p.Ser1046Asn). This variant is not present in population databases (gnomAD no frequency). This variant has not been reported in the literature in individuals affected with SETBP1-related conditions. Advanced modeling of protein sequence and biophysical properties (such as structural, functional, and spatial information, amino acid conservation, physicochemical variation, residue mobility, and thermodynamic stability) performed at Invitae indicates that this missense variant is not expected to disrupt SETBP1 protein function with a negative predictive value of 80%. In summary, the available evidence is currently insufficient to determine the role of this variant in disease. Therefore, it has been classified as a Variant of Uncertain Significance.

NM_015559.3(SETBP1):c.3137G>A (p.Ser1046Asn)

Gene: SETBP1 (SET binding protein 1; plus strand). Cytogenetic location: 18q12.3.
Variant type: single nucleotide variant.
Coding change: c.3137G>A on transcript NM_015559.3 (MANE Select); coding-DNA position 3137, G replaced by A.
Protein change: p.Ser1046Asn; replaces serine 1046 with asparagine.
Molecular consequence: missense variant.
Genome position (GRCh38, 1-based): chr18:44,952,477, G>A. VCF-style: chr18-44952477-G-A. GRCh37 (hg19) VCF-style: chr18-42532442-G-A.
Other names: c.3137G>A, p.Ser1046Asn (NM_001379141.1, NM_001379142.1, NM_001410862.1); short protein forms S1046N.
Identifiers: ClinVar variation 3632493 (VCV003632493.2).
Genomic context (GRCh38, chr18:44,952,477, plus strand): 5'-ATGACACCATGACAAAGGTGCCTTTTTTACAAGGGTTCAGCTACCCTATTCCCAGTGGAA[G>A]TTACTATGCACCCTATGGAATGCCTTACACATCAATGCCTATGATGAACCTTGGTTATTA-3'
Protein context (NP_056374.2, residues 1036-1056): QGFSYPIPSG[Ser1046Asn]YYAPYGMPYT